The following is an entry in ClinVar:

ClinVar aggregate classification (germline): Conflicting classifications of pathogenicity. Review status: criteria provided, conflicting classifications (1 of 4 stars). 11 submissions from 11 submitters: Uncertain significance (9); Likely benign (1). 1 of the submissions does not count toward it. Last evaluated 2025-09-29.

Conditions:
BARD1-related cancer predisposition. Identifiers: MedGen CN377756, MONDO:0700267.
Hereditary cancer-predisposing syndrome. Also called: Neoplastic Syndromes, Hereditary; Tumor predisposition; Hereditary Cancer Syndrome; Hereditary neoplastic syndrome. Identifiers: Orphanet 140162, MedGen C0027672, MeSH D009386, MONDO:0015356.
Familial cancer of breast. Also called: BREAST CANCER, FAMILIAL; Hereditary breast cancer; hereditary breast carcinoma. Identifiers: Orphanet 227535, MedGen C0346153, MONDO:0016419, OMIM 114480. Disease mechanism: loss of function.

Allele frequency attached by ClinVar (database versions not stated): gnomAD 0.00002; gnomAD exomes 0.00002 and 0.00004; ExAC 0.00003; TOPMed 0.00005.
gnomAD v4.1: 34 of 1,613,882 alleles (0.0021%); highest among the groups gnomAD compares: Middle Eastern, 0.016%; 1 homozygote.

Submissions (11):

Labcorp Genetics (formerly Invitae), Labcorp
Classification: Uncertain significance for Familial cancer of breast. Last evaluated: 2025-09-29. Review status: criteria provided, single submitter. Criteria: Invitae Variant Classification Sherloc (09022015). Collection method: clinical testing. Allele origin: germline.
Comment: This sequence change replaces arginine, which is basic and polar, with cysteine, which is neutral and slightly polar, at codon 370 of the BARD1 protein (p.Arg370Cys). This variant is present in population databases (rs587781596, gnomAD 0.02%). This missense change has been observed in individual(s) with breast cancer (PMID: 35402282). ClinVar contains an entry for this variant (Variation ID: 141239). An algorithm developed to predict the effect of missense changes on protein structure and function outputs the following: PolyPhen-2: "Benign". The cysteine amino acid residue is found in multiple mammalian species, which suggests that this missense change does not adversely affect protein function. In summary, the available evidence is currently insufficient to determine the role of this variant in disease. Therefore, it has been classified as a Variant of Uncertain Significance.

Color Diagnostics, LLC DBA Color Health
Classification: Likely benign for Hereditary cancer-predisposing syndrome. Last evaluated: 2025-09-09. Review status: criteria provided, single submitter. Criteria: ACMG Guidelines, 2015. Collection method: clinical testing. Allele origin: germline.

GeneDx
Classification: Uncertain significance. Last evaluated: 2025-05-08. Review status: criteria provided, single submitter. Criteria: GeneDx Variant Classification Process June 2021. Collection method: clinical testing. Allele origin: germline. Affected: yes.
Comment: In silico analysis suggests that this missense variant does not alter protein structure/function; Observed in an individual with breast cancer (PMID: 35402282); This variant is associated with the following publications: (PMID: 35402282, 33471991)

Molecular Pathology, Peter Maccallum Cancer Centre
Classification: Uncertain significance for BARD1-related cancer predisposition. Last evaluated: 2025-03-19. Review status: criteria provided, single submitter. Criteria: ACMG Guidelines, 2015. Collection method: clinical testing. Allele origin: germline. Inheritance: Autosomal dominant inheritance.

Ambry Genetics
Classification: Uncertain significance for Hereditary cancer-predisposing syndrome. Last evaluated: 2024-10-28. Review status: criteria provided, single submitter. Criteria: Ambry Variant Classification Scheme 2023. Collection method: clinical testing. Allele origin: germline.
Comment: The p.R370C variant (also known as c.1108C>T), located in coding exon 4 of the BARD1 gene, results from a C to T substitution at nucleotide position 1108. The arginine at codon 370 is replaced by cysteine, an amino acid with highly dissimilar properties. This alteration was detected in 1/1197 patients with breast cancer who underwent genetic testing (Abdel-Razeq H et al. Front Oncol, 2022 Mar;12:673094). This amino acid position is poorly conserved in available vertebrate species. In addition, this alteration is predicted to be tolerated by in silico analysis. Since supporting evidence is limited at this time, the clinical significance of this alteration remains unclear.

Hereditary Cancer Laboratory, Hospital Universitario 12 de Octubre
Classification: Uncertain significance for Hereditary cancer-predisposing syndrome. Last evaluated: 2024-02-15. Review status: criteria provided, single submitter. Criteria: ACMG Guidelines, 2015. Collection method: clinical testing. Allele origin: germline.
Comment: PM2+BP4

Baylor Genetics
Classification: Uncertain significance for Familial cancer of breast. Last evaluated: 2023-08-30. Review status: criteria provided, single submitter. Criteria: ACMG Guidelines, 2015. Collection method: clinical testing. Allele origin: unknown.

Myriad Genetics, Inc.
Classification: Uncertain significance for Familial cancer of breast. Last evaluated: 2023-02-24. Review status: criteria provided, single submitter. Criteria: Myriad Autosomal Dominant, Autosomal Recessive and X-Linked Classification Criteria (2023). Collection method: clinical testing. Allele origin: unknown.
Comment: This variant is classified as a variant of uncertain significance as there is insufficient evidence to determine its impact on protein function and/or cancer risk.

Department of Pathology and Laboratory Medicine, Sinai Health System
Classification: Uncertain significance for Familial cancer of breast. Last evaluated: 2021-09-13. Review status: criteria provided, single submitter. Criteria: ACMG Guidelines, 2015. Collection method: clinical testing. Allele origin: germline. Affected: yes.

Quest Diagnostics Nichols Institute San Juan Capistrano
Classification: Uncertain significance. Last evaluated: 2019-04-10. Review status: criteria provided, single submitter. Criteria: Quest Diagnostics criteria. Collection method: clinical testing. Allele origin: germline.

Counsyl
Classification: Uncertain significance for Familial cancer of breast. Last evaluated: 2017-05-08. Review status: no assertion criteria provided. Collection method: clinical testing. Allele origin: unknown. Not counted in ClinVar's aggregate classification.

Literature cited by the submitters: PubMed 35402282 (cited by Labcorp Genetics (formerly Invitae), Labcorp and Ambry Genetics).

NM_000465.4(BARD1):c.1108C>T (p.Arg370Cys)

Gene: BARD1 (BRCA1 associated RING domain 1; minus strand). Cytogenetic location: 2q35.
Variant type: single nucleotide variant.
Coding change: c.1108C>T on transcript NM_000465.4 (MANE Select); coding-DNA position 1108, C replaced by T.
Protein change: p.Arg370Cys; replaces arginine 370 with cysteine.
Molecular consequence: missense variant. On other transcripts: non-coding transcript variant (2), intron variant (3).
Genome position (GRCh38, 1-based): chr2:214,780,766, G>A on the plus strand (C>T on the coding strand, the complement: BARD1 is on the minus strand). VCF-style: chr2-214780766-G-A. GRCh37 (hg19) VCF-style: chr2-215645490-G-A.
Other names: c.1051C>T, p.Arg351Cys (NM_001282543.2); c.159-28211C>T (NM_001282548.2); c.215+16295C>T (NM_001282545.2); c.364+11531C>T (NM_001282549.2); short protein forms R370C, R351C.
Identifiers: ClinVar variation 141239 (VCV000141239.34), dbSNP rs587781596, ClinGen allele CA164888.
Genomic context (GRCh38, chr2:214,780,766, plus strand): 5'-GACTAATGAATTCATCGGACATGTTACTGTTTTTCCTCCCTGATGTACCACCAACTTTAC[G>A]TTTGCATGAAGGTGGTGAAGAACATTCAGGCAATGGTATATTTTCTGAGGGCACCGTTTG-3'
Protein context (NP_000456.2, residues 360-380): PECSSPPSCK[Arg370Cys]KVGGTSGRKN